The following is an entry in ClinVar:

NM_001378452.1(ITPR1):c.2903C>T (p.Ala968Val)

Gene: ITPR1 (inositol 1,4,5-trisphosphate receptor type 1; plus strand). Cytogenetic location: 3p26.1.
Variant type: single nucleotide variant.
Coding change: c.2903C>T on transcript NM_001378452.1 (MANE Select); coding-DNA position 2903, C replaced by T.
Protein change: p.Ala968Val; replaces alanine 968 with valine.
Molecular consequence: missense variant.
Genome position (GRCh38, 1-based): chr3:4,676,737, C>T. VCF-style: chr3-4676737-C-T. GRCh37 (hg19) VCF-style: chr3-4718421-C-T.
Other names: c.2876C>T, p.Ala959Val (NM_001099952.4); c.2858C>T, p.Ala953Val (NM_001168272.2); c.2831C>T, p.Ala944Val (NM_002222.7); c.2831C>T (NM_002222.5); short protein forms A944V, A953V, A959V, A968V.
Identifiers: ClinVar variation 1807473 (VCV001807473.2), dbSNP rs765894525, ClinGen allele CA2231546.
Genomic context (GRCh38, chr3:4,676,737, plus strand): 5'-GAGGAGGCTTTTTGCCCATGACTCCCATGGCTGCTGCCCCTGAAGGCAATGTGAAGCAGG[C>T]AGAGCCTGAGAAGGAGGACATCATGGTCATGGACACCAAGCTGAAGATCATTGAGATACT-3'
Protein context (NP_001365381.1, residues 958-978): AAAPEGNVKQ[Ala968Val]EPEKEDIMVM

ClinVar aggregate classification (germline): Uncertain significance. Review status: criteria provided, multiple submitters, no conflicts (2 of 4 stars). 2 submissions from 2 submitters: Uncertain significance (2). Last evaluated 2022-08-26.

Allele frequency attached by ClinVar (database versions not stated): ExAC 0.00002.
gnomAD v4.1: 6 of 1,613,752 alleles (0.00037%); highest among the groups gnomAD compares: East Asian, 0.013%; no homozygotes.

Submissions (2):

GeneDx
Classification: Uncertain significance. Last evaluated: 2022-08-26. Review status: criteria provided, single submitter. Criteria: GeneDx Variant Classification Process June 2021. Collection method: clinical testing. Allele origin: germline. Affected: yes.
Comment: In silico analysis supports that this missense variant does not alter protein structure/function; Has not been previously published as pathogenic or benign to our knowledge

Athena Diagnostics
Classification: Uncertain significance. Last evaluated: 2022-06-09. Review status: criteria provided, single submitter. Criteria: Athena Diagnostics Criteria. Collection method: clinical testing. Allele origin: unknown.